The following is an entry in ClinVar:

ClinVar aggregate classification (germline): Likely benign. Review status: criteria provided, multiple submitters, no conflicts (2 of 4 stars). 2 submissions from 2 submitters: Likely benign (2). Last evaluated 2024-01-05.

Allele frequency attached by ClinVar (database versions not stated): gnomAD exomes below 0.00001 and 0.00001; TOPMed 0.00001.
gnomAD v4.1: 13 of 1,612,832 alleles (0.00081%); highest among the groups gnomAD compares: Admixed American, 0.0033%; no homozygotes.

Submissions (2):

Labcorp Genetics (formerly Invitae), Labcorp
Classification: Likely benign. Last evaluated: 2024-01-05. Review status: criteria provided, single submitter. Criteria: Invitae Variant Classification Sherloc (09022015). Collection method: clinical testing. Allele origin: germline.

Women's Health and Genetics/Laboratory Corporation of America, LabCorp
Classification: Likely benign. Last evaluated: 2022-02-21. Review status: criteria provided, single submitter. Criteria: LabCorp Variant Classification Summary - May 2015. Collection method: clinical testing. Allele origin: germline.
Comment: Variant summary: CAMK2B c.1881C>T alters a conserved nucleotide resulting in a synonymous change. 4/4 computational tools predict no significant impact on normal splicing. However, these predictions have yet to be confirmed by functional studies. The variant allele was found at a frequency of 4e-06 in 248138 control chromosomes (gnomAD). The available data on variant occurrences in the general population are insufficient to allow any conclusion about variant significance. To our knowledge, no occurrence of c.1881C>T in individuals affected with Intellectual Disability, Autosomal Dominant 54 and no experimental evidence demonstrating its impact on protein function have been reported. No clinical diagnostic laboratories have submitted clinical-significance assessments for this variant to ClinVar after 2014. Based on the evidence outlined above, the variant was classified as likely benign.

NM_001220.5(CAMK2B):c.1881C>T (p.Asp627=)

Gene: CAMK2B (calcium/calmodulin dependent protein kinase II beta; minus strand). Cytogenetic location: 7p13.
Variant type: single nucleotide variant.
Coding change: c.1881C>T on transcript NM_001220.5 (MANE Select); coding-DNA position 1881, C replaced by T.
Protein change: p.Asp627=; no amino-acid change (aspartic acid 627 retained).
Molecular consequence: synonymous variant.
Genome position (GRCh38, 1-based): chr7:44,220,182, G>A on the plus strand (C>T on the coding strand, the complement: CAMK2B is on the minus strand). VCF-style: chr7-44220182-G-A. GRCh37 (hg19) VCF-style: chr7-44259781-G-A.
Other names: c.1509C>T, p.Asp503= (NM_001293170.2, NM_172078.3); c.1437C>T, p.Asp479= (NM_172079.3); c.1434C>T, p.Asp478= (NM_172080.3); c.1392C>T, p.Asp464= (NM_172081.3); c.1359C>T, p.Asp453= (NM_172082.3); c.1320C>T, p.Asp440= (NM_172083.3); c.1230C>T, p.Asp410= (NM_172084.3).
Identifiers: ClinVar variation 1343528 (VCV001343528.6), dbSNP rs1463275169, ClinGen allele CA454608172.